The following is an entry in ClinVar:

NM_017654.4(SAMD9):c.1053C>T (p.Asp351=)

Gene: SAMD9 (sterile alpha motif domain containing 9; minus strand). Cytogenetic location: 7q21.2.
Variant type: single nucleotide variant.
Coding change: c.1053C>T on transcript NM_017654.4 (MANE Select); coding-DNA position 1053, C replaced by T.
Protein change: p.Asp351=; no amino-acid change (aspartic acid 351 retained).
Molecular consequence: synonymous variant.
Genome position (GRCh38, 1-based): chr7:93,105,045, G>A on the plus strand (C>T on the coding strand, the complement: SAMD9 is on the minus strand). VCF-style: chr7-93105045-G-A. GRCh37 (hg19) VCF-style: chr7-92734358-G-A.
Other names: c.1053C>T (NM_017654.3); c.1053C>T, p.Asp351= (NM_001193307.2).
Identifiers: ClinVar variation 1466440 (VCV001466440.11), dbSNP rs200454238, ClinGen allele CA4343030.
Genomic context (GRCh38, chr7:93,105,045, plus strand): 5'-CTCTGCCAGTGTTTTAAAATCTGCTTTAAATGCTCTGAAATCAACTTTATTTTTCGTAAT[G>A]TCCTTAGAGCTGGTCCCATCTCGCACAAATAGTGAGAATTTTTTACTTTGTTCCCATATT-3'
Protein context (NP_060124.2, residues 341-361): LFVRDGTSSK[Asp351=]ITKNKVDFRA

ClinVar aggregate classification (germline): Likely benign. Review status: criteria provided, multiple submitters, no conflicts (2 of 4 stars). 3 submissions from 3 submitters: Likely benign (2). 1 of the submissions does not count toward it. Last evaluated 2025-12-14.

Conditions:
Inborn genetic diseases. Identifiers: MedGen C0950123, MeSH D030342.
SAMD9-related disorder. Also called: SAMD9-related condition.

Allele frequency attached by ClinVar (database versions not stated): ESP Exome Variant Server 0.00031.
gnomAD v4.1: 332 of 1,613,690 alleles (0.021%); highest among the groups gnomAD compares: Non-Finnish European, 0.027%; no homozygotes.

Submissions (3):

Labcorp Genetics (formerly Invitae), Labcorp
Classification: Likely benign. Last evaluated: 2025-12-14. Review status: criteria provided, single submitter. Criteria: Invitae Variant Classification Sherloc (09022015). Collection method: clinical testing. Allele origin: germline.

Ambry Genetics
Classification: Likely benign for Inborn genetic diseases. Last evaluated: 2024-10-17. Review status: criteria provided, single submitter. Criteria: Ambry Variant Classification Scheme 2023. Collection method: clinical testing. Allele origin: germline.

PreventionGenetics, part of Exact Sciences
Classification: Likely benign for SAMD9-related condition. Last evaluated: 2022-02-25. Review status: no assertion criteria provided. Collection method: clinical testing. Allele origin: germline. Not counted in ClinVar's aggregate classification.
Comment: This variant is classified as likely benign based on ACMG/AMP sequence variant interpretation guidelines (Richards et al. 2015 PMID: 25741868, with internal and published modifications).